The following is an entry in ClinVar:

NM_006080.3(SEMA3A):c.1287_1289dup (p.Tyr429_Gln430insHis)

Gene: SEMA3A (semaphorin 3A; minus strand). Cytogenetic location: 7q21.11.
Variant type: Duplication.
Coding change: c.1287_1289dup on transcript NM_006080.3 (MANE Select); coding-DNA positions 1287 to 1289, 3 bases duplicated (TCA; older notation c.1287_1289dupTCA).
Protein change: p.Tyr429_Gln430insHis.
Molecular consequence: inframe insertion. On other transcripts: inframe indel (1).
Genome position (GRCh38, 1-based): chr7:84,005,410-84,005,412, TGA duplicated on the plus strand (TCA on the coding strand, the reverse complement: SEMA3A is on the minus strand); duplicating any 3 consecutive bases within chr7:84,005,410-84,005,413 gives the same sequence; the c. name uses the placement nearest the transcript's 3' end. VCF-style (leftmost placement, unchanged base first): chr7-84005409-T-TTGA. GRCh37 (hg19) VCF-style: chr7-83634725-T-TTGA.
Other names: c.1287_1289dupTCA (NM_006080.2).
Identifiers: ClinVar variation 4983039 (VCV004983039.1).

ClinVar aggregate classification (germline): Uncertain significance (1 of 4 stars; one submission).

Conditions:
SEMA3A-related disorder. Also called: SEMA3A-related condition.

Submission:

PreventionGenetics, part of Exact Sciences
Classification: Uncertain significance for SEMA3A-related condition. Last evaluated: 2026-05-28. Review status: criteria provided, single submitter. Criteria: ACMG Guidelines, 2015. Collection method: clinical testing. Allele origin: germline.
Comment: The SEMA3A c.1287_1289dupTCA variant is predicted to result in an in-frame duplication (p.Tyr429_Gln430insHis). To our knowledge, this variant has not been reported in the literature or in a large population database (gnomAD), indicating this variant is rare. At this time, the clinical significance of this variant is uncertain due to the absence of conclusive functional and genetic evidence.